The following is an entry in ClinVar:

NM_000444.6(PHEX):c.1936_1939dup (p.Asn647delinsArgTer)

Genes: PHEX (phosphate regulating endopeptidase X-linked; plus strand), PTCHD1-AS (PTCHD1 and PHEX antisense RNA; minus strand). Cytogenetic location: Xp22.11.
Variant type: Duplication.
Coding change: c.1936_1939dup on transcript NM_000444.6 (MANE Select); coding-DNA positions 1936 to 1939, 4 bases duplicated (GATA; older notation c.1936_1939dupGATA).
Protein change: p.Asn647delinsArgTer.
Molecular consequence: nonsense.
Genome position (GRCh38, 1-based): chrX:22,226,479-22,226,482, GATA duplicated. VCF-style (leftmost placement, unchanged base first): chrX-22226478-T-TGATA. GRCh37 (hg19) VCF-style: chrX-22244595-T-TGATA.
Other names: c.1936_1939dup, p.Asn647delinsArgTer (NM_001282754.2); c.1936_1939dupGATA (NM_000444.6).
Identifiers: ClinVar variation 280081 (VCV000280081.10), dbSNP rs886041368, ClinGen allele CA10603461.

ClinVar aggregate classification (germline): Pathogenic. Review status: criteria provided, multiple submitters, no conflicts (2 of 4 stars). 3 submissions from 3 submitters: Pathogenic (3). Last evaluated 2025-12-19.

Conditions:
Familial X-linked hypophosphatemic vitamin D refractory rickets (XLHRD). Also called: Hypophosphatemia, vitamin D-resistant rickets; Vitamin D-resistant rickets, X-linked; X-Linked Hypophosphatemia; Hypophosphatemic Rickets, X-Linked Dominant; HYPOPHOSPHATEMIC VITAMIN D-RESISTANT RICKETS. Identifiers: Orphanet 89936, MedGen C0733682, MONDO:0010619, OMIM 307800.

Submissions (3):

Labcorp Genetics (formerly Invitae), Labcorp
Classification: Pathogenic. Last evaluated: 2025-12-19. Review status: criteria provided, single submitter. Criteria: Invitae Variant Classification Sherloc (09022015). Collection method: clinical testing. Allele origin: germline.
Comment: This sequence change creates a premature translational stop signal (p.Asn647delinsArg*) in the PHEX gene. It is expected to result in an absent or disrupted protein product. Loss-of-function variants in PHEX are known to be pathogenic (PMID: 9097956, 9106524, 19219621). This variant is not present in population databases (gnomAD no frequency). This premature translational stop signal has been observed in individual(s) with hypophosphatemia (PMID: 11502829). This variant is also known as c.1939insGATA. ClinVar contains an entry for this variant (Variation ID: 280081). Algorithms developed to predict the effect of sequence changes on RNA splicing suggest that this variant may disrupt the consensus splice site. For these reasons, this variant has been classified as Pathogenic.

Women's Health and Genetics/Laboratory Corporation of America, LabCorp
Classification: Pathogenic for Familial X-linked hypophosphatemic vitamin D refractory rickets. Last evaluated: 2024-09-16. Review status: criteria provided, single submitter. Criteria: LabCorp Variant Classification Summary - May 2015. Collection method: clinical testing. Allele origin: germline.
Comment: Variant summary: PHEX c.1936_1939dupGATA (p.Asn647ArgfsX2) results in a premature termination codon, predicted to cause a truncation of the encoded protein or absence of the protein due to nonsense mediated decay, which are commonly known mechanisms for disease. The variant was absent in 183440 control chromosomes. c.1936_1939dupGATA has been reported in the literature in multiple individuals affected with X-Linked Hypophosphatemic Rickets (e.g., Holm_2011). These data indicate that the variant is very likely to be associated with disease. To our knowledge, no experimental evidence demonstrating an impact on protein function has been reported. The following publication has been ascertained in the context of this evaluation (PMID: 11502829). ClinVar contains an entry for this variant (Variation ID: 280081). Based on the evidence outlined above, the variant was classified as pathogenic.

GeneDx
Classification: Pathogenic. Last evaluated: 2016-01-27. Review status: criteria provided, single submitter. Criteria: GeneDx Variant Classification (06012015). Collection method: clinical testing. Allele origin: germline. Affected: yes.
Comment: The c.1936_1939dupGATA pathogenic variant in the PHEX gene has been reported previously in association with X-linked hypophosphatemic rickets (Holm et al., 2001), and is consistent with the diagnosis in this patient. The duplication causes a frameshift starting with codon Asparagine 647, changes this amino acid to an Arginine residue and creates a premature Stop codon at position 2 of the new reading frame, denoted p.Asn647ArgfsX2. This pathogenic variant is predicted to cause loss of normal protein function either through protein truncation or nonsense-mediated mRNA decay. c.1936_1939dupGATA was not observed in approximately 6,500 individuals of European and African American ancestry in the NHLBI Exome Sequencing Project, indicating it is not a common benign variant in these populations.

Literature cited by the submitters: PubMed 9097956 (cited by Labcorp Genetics (formerly Invitae), Labcorp); PubMed 9106524 (cited by Labcorp Genetics (formerly Invitae), Labcorp); PubMed 19219621 (cited by Labcorp Genetics (formerly Invitae), Labcorp); PubMed 11502829 (cited by Labcorp Genetics (formerly Invitae), Labcorp and Women's Health and Genetics/Laboratory Corporation of America, LabCorp).